The following is an entry in ClinVar:

ClinVar aggregate classification (germline): Conflicting classifications of pathogenicity. Review status: criteria provided, conflicting classifications (1 of 4 stars). 4 submissions from 4 submitters: Pathogenic (1); Uncertain significance (3). Last evaluated 2025-10-02.

Conditions:
Hereditary breast ovarian cancer syndrome. Also called: BRCA1- and BRCA2-Associated Hereditary Breast and Ovarian Cancer; Hereditary breast and ovarian cancer; Hereditary breast and ovarian cancer syndrome (HBOC); Breast and ovarian cancer; Hereditary breast and/or ovarian cancer syndrome; Hereditary breast and ovarian cancer syndrome. Identifiers: Orphanet 145, MedGen C0677776, MeSH D061325, MONDO:0003582. Disease mechanism: loss of function.
Breast-ovarian cancer, familial, susceptibility to, 1 (BROVCA1). Also called: BRCA1 Hereditary Breast and Ovarian Cancer; OVARIAN CANCER, SUSCEPTIBILITY TO. Identifiers: Orphanet 145, MedGen C2676676, MONDO:0011450, OMIM 604370. Disease mechanism: loss of function.
Hereditary cancer-predisposing syndrome. Also called: Tumor predisposition; Neoplastic Syndromes, Hereditary; Hereditary Cancer Syndrome; Hereditary neoplastic syndrome. Identifiers: Orphanet 140162, MedGen C0027672, MeSH D009386, MONDO:0015356.

Submissions (4):

Ambry Genetics
Classification: Uncertain significance for Hereditary cancer-predisposing syndrome. Last evaluated: 2025-10-02. Review status: criteria provided, single submitter. Criteria: Ambry Variant Classification Scheme 2023. Collection method: clinical testing. Allele origin: germline.
Comment: The c.604delC pathogenic mutation, located in coding exon 8 of the BRCA1 gene, results from a deletion of one nucleotide at nucleotide position 604, causing a translational frameshift with a predicted alternate stop codon (p.Q202Kfs*32). Alterations that result in premature protein truncation are typically deleterious in nature. However, because this alteration occurs in one of the two exons that are absent in an in-frame, partially functional, naturally occurring isoform (&Delta;7_8 which is known in the literature as BRCA1 &Delta;9_10), it has an uncertain impact on pathogenicity (Colombo M et al. Hum. Mol. Genet. 2014 Jul;23:3666-80; Whiley PJ et al. Clin. Chem. 2014 Feb;60:341-52). As such, the clinical significance of this alteration remains unclear.

Labcorp Genetics (formerly Invitae), Labcorp
Classification: Uncertain significance for Hereditary breast ovarian cancer syndrome. Last evaluated: 2025-05-25. Review status: criteria provided, single submitter. Criteria: Invitae Variant Classification Sherloc (09022015). Collection method: clinical testing. Allele origin: germline.
Comment: This sequence change creates a premature translational stop signal (p.Gln202Lysfs*32) in the BRCA1 gene. Loss-of-function variants in BRCA1 are expected to be pathogenic (PMID: 20104584). However, an in-frame BRCA1 isoform lacking exons 8 and 9 (also known as exons 9 and 10) is highly expressed in blood from unaffected individuals and in normal breast tissue; this isoform may retain protein function and could functionally rescue loss-of-function variants within exons 8-9 (PMID: 24569164). This variant is not present in population databases (gnomAD no frequency). This variant has not been reported in the literature in individuals affected with BRCA1-related conditions. ClinVar contains an entry for this variant (Variation ID: 839591). Algorithms developed to predict the effect of sequence changes on RNA splicing suggest that this variant may disrupt the consensus splice site. In summary, the available evidence is currently insufficient to determine the role of this variant in disease. Therefore, it has been classified as a Variant of Uncertain Significance.

Color Diagnostics, LLC DBA Color Health
Classification: Uncertain significance for Hereditary cancer-predisposing syndrome. Last evaluated: 2025-03-17. Review status: criteria provided, single submitter. Criteria: ACMG Guidelines, 2015. Collection method: clinical testing. Allele origin: germline.
Comment: This variant changes 1 nucleotides in exon 9 of the BRCA1 gene, creating a premature translation stop signal. This variant is expected to result in the absence of full-length protein product. This variant has not been identified in the general population by the Genome Aggregation Database (gnomAD). However, there is a naturally occurring BRCA1 mRNA lacking exons 8 and 9, resulting in an in-frame deletion, which is suspected to retain some function (PMID: 19892845, 24569164, 27008870). While truncation variants in exons 8 and 9 have been reported in individuals and families affected in breast and ovarian cancer (PMID: 8764110, 12203997, 12815604, 15642173, 25472942, 33649982) and in a compound heterozygous carrier affected with Fanconi anemia (PMID: 25472942), the clinical evidence for a variant impacting splicing of exon 9, c.594-2A>C, indicated that this variant is not pathogenic or that pathogenicity is inconclusive (PMID: 25639900, 27008870). Taken together, the available evidence suggests that the expected deleterious effects of this c.604del variant and other truncation variants occurring in exons 8 and 9 could be ameliorated by the expression of the mRNA isoform lacking exons 8 and 9, retaining some BRCA1 function. Because of the uncertain clinical consequences of this variant, it is classified as a Variant of Uncertain Significance.

Baylor Genetics
Classification: Pathogenic for Breast-ovarian cancer, familial, susceptibility to, 1. Last evaluated: 2021-11-23. Review status: criteria provided, single submitter. Criteria: ACMG Guidelines, 2015. Collection method: clinical testing. Allele origin: unknown.

Literature cited by the submitters: PubMed 20104584 (cited by Labcorp Genetics (formerly Invitae), Labcorp); PubMed 24569164 (cited by Labcorp Genetics (formerly Invitae), Labcorp and Color Diagnostics, LLC DBA Color Health); PubMed 8764110 (cited by Color Diagnostics, LLC DBA Color Health); PubMed 12203997 (cited by Color Diagnostics, LLC DBA Color Health); PubMed 12815604 (cited by Color Diagnostics, LLC DBA Color Health); PubMed 15642173 (cited by Color Diagnostics, LLC DBA Color Health); PubMed 19892845 (cited by Color Diagnostics, LLC DBA Color Health); PubMed 25472942 (cited by Color Diagnostics, LLC DBA Color Health); PubMed 25639900 (cited by Color Diagnostics, LLC DBA Color Health); PubMed 27008870 (cited by Color Diagnostics, LLC DBA Color Health); PubMed 33649982 (cited by Color Diagnostics, LLC DBA Color Health).

NM_007294.4(BRCA1):c.604del (p.Gln202fs)

Gene: BRCA1 (BRCA1 DNA repair associated; minus strand). Cytogenetic location: 17q21.31.
Variant type: Deletion.
Coding change: c.604del on transcript NM_007294.4 (MANE Select); coding-DNA position 604, one base deleted (C; older notation c.604delC).
Protein change: p.Gln202fs; shifts the reading frame from glutamine 202.
Molecular consequence: frameshift variant. On other transcripts: non-coding transcript variant (1).
Genome position (GRCh38, 1-based): chr17:43,095,912, G deleted on the plus strand (C on the coding strand, the reverse complement: BRCA1 is on the minus strand). VCF-style (leftmost placement, unchanged base first): chr17-43095911-TG-T. GRCh37 (hg19) VCF-style: chr17-41247928-TG-T.
Other names: c.391delC, p.Gln131Lysfs (NM_001407571.1, NM_001407853.1, NM_001407894.1 and 12 more transcripts); c.604delC, p.Gln202Lysfs (NM_001407581.1, NM_001407582.1, NM_001407583.1 and 57 more transcripts); c.601delC, p.Gln201Lysfs (NM_001407587.1, NM_001407590.1, NM_001407591.1 and 41 more transcripts); c.595delC, p.Gln199Lysfs (NM_001407646.1, NM_001407647.1, NM_001408408.1); c.526delC, p.Gln176Lysfs (NM_001407653.1, NM_001407654.1, NM_001407655.1 and 9 more transcripts); c.523delC, p.Gln175Lysfs (NM_001407659.1, NM_001407660.1, NM_001407661.1 and 3 more transcripts); c.463delC, p.Gln155Lysfs (NM_001407692.1, NM_001407694.1, NM_001407695.1 and 42 more transcripts); c.460delC, p.Gln154Lysfs (NM_001407740.1, NM_001407741.1, NM_001407742.1 and 26 more transcripts); and 6 more; short protein forms Q155fs, Q202fs.
Identifiers: ClinVar variation 839591 (VCV000839591.14), dbSNP rs2054117523, ClinGen allele CA916080215.